The following is an entry in ClinVar:

ClinVar aggregate classification (germline): Uncertain significance (1 of 4 stars; one submission).

Conditions:
ANKRD12-related disorder. Also called: ANKRD12-related condition.

Submission:

PreventionGenetics, part of Exact Sciences
Classification: Uncertain significance for ANKRD12-related condition. Last evaluated: 2023-05-31. Review status: criteria provided, single submitter. Criteria: ACMG Guidelines, 2015. Collection method: clinical testing. Allele origin: germline.
Comment: The ANKRD12 c.2186delA variant is predicted to result in a frameshift and premature protein termination (p.Asn729Thrfs*39). To our knowledge, this variant has not been reported in the literature or in a large population database, indicating this variant is rare. Loss-of-function has not been established as a disease mechanism for this gene, and therefore the clinical significance of this variant is currently uncertain due to the absence of conclusive functional and genetic evidence.

NM_015208.5(ANKRD12):c.2186del (p.Asn729fs)

Gene: ANKRD12 (ankyrin repeat domain 12; plus strand). Cytogenetic location: 18p11.22.
Variant type: Deletion.
Coding change: c.2186del on transcript NM_015208.5 (MANE Select); coding-DNA position 2186, one base deleted (A; older notation c.2186delA).
Protein change: p.Asn729fs; shifts the reading frame from asparagine 729.
Molecular consequence: frameshift variant.
Genome position (GRCh38, 1-based): chr18:9,255,453, A deleted; the last of 7 consecutive A bases (chr18:9,255,447-9,255,453); deleting any one gives the same sequence. VCF-style (leftmost placement, unchanged base first): chr18-9255446-GA-G. GRCh37 (hg19) VCF-style: chr18-9255444-GA-G.
Other names: c.2117del, p.Asn706fs (NM_001083625.3, NM_001204056.1); short protein forms N706fs, N729fs.
Identifiers: ClinVar variation 2630518 (VCV002630518.1), dbSNP rs2510856460, ClinGen allele CA2502645646.